The following is an entry in ClinVar:

ClinVar aggregate classification (germline): Conflicting classifications of pathogenicity. Review status: criteria provided, conflicting classifications (1 of 4 stars). 7 submissions from 7 submitters: Uncertain significance (1); Benign (4); Likely benign (2). Last evaluated 2026-08-01.

Conditions:
Cardiovascular phenotype. Identifiers: MedGen CN230736.
Cardiomyopathy, familial hypertrophic 27. Identifiers: MedGen C4748014, MONDO:0054838, OMIM 618052.

Allele frequency attached by ClinVar (database versions not stated): gnomAD exomes 0.00033 and 0.00066; ESP Exome Variant Server 0.00038; TOPMed 0.00044; gnomAD 0.00051 and 0.00054; ExAC 0.00058.

Submissions (7):

CeGaT Center for Human Genetics Tuebingen
Classification: Likely benign. Last evaluated: 2026-08-01. Review status: criteria provided, single submitter. Criteria: CeGaT Center For Human Genetics Tuebingen Variant Classification Criteria Version 2. Collection method: clinical testing. Allele origin: germline. Affected: yes. Observed: 1 variant allele.
Comment: ALPK3: BP4, BS2

Labcorp Genetics (formerly Invitae), Labcorp
Classification: Benign. Last evaluated: 2026-02-03. Review status: criteria provided, single submitter. Criteria: Invitae Variant Classification Sherloc (09022015). Collection method: clinical testing. Allele origin: germline.

Women's Health and Genetics/Laboratory Corporation of America, LabCorp
Classification: Likely benign. Last evaluated: 2025-06-02. Review status: criteria provided, single submitter. Criteria: LabCorp Variant Classification Summary - May 2015. Collection method: clinical testing. Allele origin: germline.
Comment: Variant summary: ALPK3 c.1900C>T (p.Arg634Cys) results in a non-conservative amino acid change in the encoded protein sequence. Algorithms developed to predict the effect of missense changes on protein structure and function are either unavailable or do not agree on the potential impact of this missense change. The variant allele was found at a frequency of 0.00066 in 251178 control chromosomes, predominantly at a frequency of 0.013 within the Ashkenazi Jewish subpopulation in the gnomAD database, including 1 homozygotes. The observed variant frequency within Ashkenazi Jewish control individuals in the gnomAD database is approximately 1.84 fold of the estimated maximal expected allele frequency for a pathogenic variant in ALPK3 causing Cardiomyopathy phenotype (0.0071). To our knowledge, no occurrence of c.1900C>T in individuals affected with Cardiomyopathy and no experimental evidence demonstrating its impact on protein function have been reported. ClinVar contains an entry for this variant (Variation ID: 512831). Based on the evidence outlined above, the variant was classified as likely benign.

Molecular Diagnostic Laboratory for Inherited Cardiovascular Disease, Montreal Heart Institute
Classification: Benign. Last evaluated: 2025-04-09. Review status: criteria provided, single submitter. Criteria: ACMG Guidelines, 2015. Collection method: clinical testing. Allele origin: germline. Affected: no.

ARUP Laboratories, Molecular Genetics and Genomics, ARUP Laboratories
Classification: Uncertain significance for Cardiomyopathy, familial hypertrophic 27. Last evaluated: 2024-12-19. Review status: criteria provided, single submitter. Criteria: ARUP Molecular Germline Variant Investigation Process 2024. Collection method: clinical testing. Allele origin: germline.
Comment: The ALPK3 c.1900C>T; p.Arg634Cys variant (rs201086326), to our knowledge, is not reported in the medical literature but is reported in ClinVar (Variation ID: 512831). This variant is found in the general population with an overall allele frequency of 0.060% (170/282558 alleles) in the Genome Aggregation Database (v2.1.1). Computational analyses predict that this variant is neutral (REVEL: 0.138). Due to limited information, the clinical significance of this variant is uncertain at this time.

GeneDx
Classification: Benign. Last evaluated: 2021-02-18. Review status: criteria provided, single submitter. Criteria: GeneDx Variant Classification Process June 2021. Collection method: clinical testing. Allele origin: germline. Affected: yes.

Ambry Genetics
Classification: Benign for Cardiovascular phenotype. Last evaluated: 2019-04-15. Review status: criteria provided, single submitter. Criteria: Ambry Variant Classification Scheme 2023. Collection method: clinical testing. Allele origin: germline.

NM_020778.5(ALPK3):c.1900C>T (p.Arg634Cys)

Gene: ALPK3 (alpha kinase 3; plus strand). Cytogenetic location: 15q25.3.
Variant type: single nucleotide variant.
Coding change: c.1900C>T on transcript NM_020778.5 (MANE Select); coding-DNA position 1900, C replaced by T.
Protein change: p.Arg634Cys; replaces arginine 634 with cysteine.
Molecular consequence: missense variant.
Genome position (GRCh38, 1-based): chr15:84,856,638, C>T. VCF-style: chr15-84856638-C-T. GRCh37 (hg19) VCF-style: chr15-85399869-C-T.
Other names: short protein forms R836C, R634C.
Identifiers: ClinVar variation 512831 (VCV000512831.19), dbSNP rs201086326, ClinGen allele CA7709312.